The following is an entry in ClinVar:

ClinVar aggregate classification (germline): Uncertain significance (1 of 4 stars; one submission).

Conditions:
Wilson disease (WND). Also called: Wilson's disease. Identifiers: Orphanet 905, MedGen C0019202, MONDO:0010200, OMIM 277900. Disease mechanism: loss of function.

gnomAD v4.1: 1 of 1,614,224 alleles (0.000062%); highest among the groups gnomAD compares: Non-Finnish European, 0.000085%; no homozygotes.

Submission:

All of Us Research Program, National Institutes of Health
Classification: Uncertain significance for Wilson disease. Last evaluated: 2024-08-23. Review status: criteria provided, single submitter. Criteria: ACMG Guidelines, 2015. Collection method: clinical testing. Allele origin: germline. Inheritance: Autosomal recessive inheritance. Observed: 1 variant allele, 1 heterozygote.
Comment: This missense variant replaces alanine with threonine at codon 1283 of the ATP7B protein. Computational prediction suggests that this variant may have deleterious impact on protein structure and function. To our knowledge, functional studies have not been reported for this variant. This variant has not been reported in individuals affected with ATP7B-related disorders in the literature. This variant has not been identified in the general population by the Genome Aggregation Database (gnomAD). The available evidence is insufficient to determine the role of this variant in disease conclusively. Therefore, this variant is classified as a Variant of Uncertain Significance.

This study involves interpretation of variants in research participants for the purpose of population health screening. Participant phenotype was not available at the time of variant classification. Additional details can be found in publication PMID: 35346344, PMCID: PMC8962531

NM_000053.4(ATP7B):c.3847G>A (p.Ala1283Thr)

Gene: ATP7B (ATPase copper transporting beta; minus strand). Cytogenetic location: 13q14.3.
Variant type: single nucleotide variant.
Coding change: c.3847G>A on transcript NM_000053.4 (MANE Select); coding-DNA position 3847, G replaced by A.
Protein change: p.Ala1283Thr; replaces alanine 1283 with threonine.
Molecular consequence: missense variant. On other transcripts: intron variant (1).
Genome position (GRCh38, 1-based): chr13:51,937,532, C>T on the plus strand (G>A on the coding strand, the complement: ATP7B is on the minus strand). VCF-style: chr13-51937532-C-T. GRCh37 (hg19) VCF-style: chr13-52511668-C-T.
Other names: c.3664G>A, p.Ala1222Thr (NM_001406523.1); c.3670G>A, p.Ala1224Thr (NM_001406524.1); c.3652G>A, p.Ala1218Thr (NM_001406525.1); c.3613G>A, p.Ala1205Thr (NM_001406527.1, NM_001406528.1, NM_001330578.2); c.3607G>A, p.Ala1203Thr (NM_001406530.1); c.3595G>A, p.Ala1199Thr (NM_001406531.1, NM_001406532.1, NM_001330579.2); c.3559G>A, p.Ala1187Thr (NM_001406534.1); c.3517G>A, p.Ala1173Thr (NM_001406535.1, NM_001406536.1); and 21 more; short protein forms A1002T, A1056T, A1067T, A1076T, A1089T, A1119T, A1121T, A1134T.
Identifiers: ClinVar variation 3387348 (VCV003387348.1).